The following is an entry in ClinVar:

ClinVar aggregate classification (germline): Uncertain significance (1 of 4 stars; one submission).

Submission:

Labcorp Genetics (formerly Invitae), Labcorp
Classification: Uncertain significance. Last evaluated: 2025-09-24. Review status: criteria provided, single submitter. Criteria: Invitae Variant Classification Sherloc (09022015). Collection method: clinical testing. Allele origin: germline.
Comment: This sequence change falls in intron 6 of the RFWD3 gene. It does not directly change the encoded amino acid sequence of the RFWD3 protein. This variant is not present in population databases (gnomAD no frequency). This variant has not been reported in the literature in individuals affected with RFWD3-related conditions. Experimental studies and prediction algorithms are not available or were not evaluated, and the effect of this variant on mRNA splicing is currently unknown. In summary, the available evidence is currently insufficient to determine the role of this variant in disease. Therefore, it has been classified as a Variant of Uncertain Significance.

NM_018124.4(RFWD3):c.1079+9_1079+10insGAAAAGGTAGGTGGTGGCCGGGCGCGGTGGCTCACGCCTGTAATCCCAGCACTTTGGGAGGCCGAGGCGGGCGGATCACGAGGTCAGNNNNNNNNNNAAAAAAAAAAAAAAAAAAAA

Gene: RFWD3 (ring finger and WD repeat domain 3; minus strand). Cytogenetic location: 16q23.1.
Variant type: Microsatellite.
Coding change: c.1079+9_1079+10insGAAAAGGTAGGTGGTGGCCGGGCGCGGTGGCTCACGCCTGTAATCCCAGCACTTTGGGAGGCCGAGGCGGGCGGATCACGAGGTCAGNNNNNNNNNNAAAAAAAAAAAAAAAAAAAA on transcript NM_018124.4 (MANE Select); bases 9 to 10 of the intron after coding-DNA position 1079, GAAAAGGTAGGTGGTGGCCGGGCGCGGTGGCTCACGCCTGTAATCCCAGCACTTTGGGAGGCCGAGGCGGGCGGATCACGAGGTCAGNNNNNNNNNNAAAAAAAAAAAAAAAAAAAA inserted.
Molecular consequence: splice donor variant.
Genome position: GRCh38: chr16:74,644,353-74,644,367. GRCh37 (hg19), VCF-style position (the base before the change): chr16:74,678,250.
Other names: c.1079+9_1079+10insGAAAAGGTAGGTGGTGGCCGGGCGCGGTGGCTCACGCCTGTAATCCCAGCACTTTGGGAGGCCGAGGCGGGCGGATCACGAGGTCAGNNNNNNNNNNAAAAAAAAAAAAAAAAAAAA (NM_001370534.1, NM_001370536.1, NM_001370535.1); c.245+9_245+10insGAAAAGGTAGGTGGTGGCCGGGCGCGGTGGCTCACGCCTGTAATCCCAGCACTTTGGGAGGCCGAGGCGGGCGGATCACGAGGTCAGNNNNNNNNNNAAAAAAAAAAAAAAAAAAAA (NM_001370539.1, NM_001370537.1, NM_001370543.1 and 2 more transcripts).
Identifiers: ClinVar variation 4727807 (VCV004727807.1).